The following is an entry in ClinVar:

ClinVar aggregate classification (germline): Conflicting classifications of pathogenicity. Review status: criteria provided, conflicting classifications (1 of 4 stars). 2 submissions from 2 submitters: Uncertain significance (1); Benign (1). Last evaluated 2025-02-05.

Conditions:
Kabuki syndrome. Also called: NIIKAWA-KUROKI SYNDROME; Kabuki make-up syndrome. Identifiers: Orphanet 2322, MedGen C0796004, MONDO:0016512.

Allele frequency attached by ClinVar (database versions not stated): gnomAD exomes 0.00001; TOPMed 0.00002; ExAC 0.00003; gnomAD 0.00003; ESP Exome Variant Server 0.00008.
gnomAD v4.1: 6 of 1,571,742 alleles (0.00038%); highest among the groups gnomAD compares: African/African-American, 0.0068%; no homozygotes.

Submissions (2):

Mayo Clinic Laboratories, Mayo Clinic
Classification: Uncertain significance. Last evaluated: 2025-02-05. Review status: criteria provided, single submitter. Criteria: ACMG Guidelines, 2015. Collection method: clinical testing. Allele origin: germline. Observed: 1 variant allele.
Comment: BP4, PM2_supporting

Labcorp Genetics (formerly Invitae), Labcorp
Classification: Benign for Kabuki syndrome. Last evaluated: 2024-02-18. Review status: criteria provided, single submitter. Criteria: Invitae Variant Classification Sherloc (09022015). Collection method: clinical testing. Allele origin: germline.

NM_003482.4(KMT2D):c.8546C>T (p.Ala2849Val)

Gene: KMT2D (lysine methyltransferase 2D; minus strand). Cytogenetic location: 12q13.12.
Variant type: single nucleotide variant.
Coding change: c.8546C>T on transcript NM_003482.4 (MANE Select); coding-DNA position 8546, C replaced by T.
Protein change: p.Ala2849Val; replaces alanine 2849 with valine.
Molecular consequence: missense variant.
Genome position (GRCh38, 1-based): chr12:49,038,810, G>A on the plus strand (C>T on the coding strand, the complement: KMT2D is on the minus strand). VCF-style: chr12-49038810-G-A. GRCh37 (hg19) VCF-style: chr12-49432593-G-A.
Other names: p.Ala2849Val; c.8546C>T (NM_003482.3); short protein forms A2849V.
Identifiers: ClinVar variation 1417450 (VCV001417450.7), dbSNP rs370940954, ClinGen allele CA6546825.
Genomic context (GRCh38, chr12:49,038,810, plus strand): 5'-GGCACTGGCTCACCAGGGCCTGGCAGACGGGTGGAAATTCCCGCCAACGGGGAACCTAGG[G>A]CTTGGCGGCCAAGTTCAGGTCCAGGAGTTGATGGAAAGCGAGCTGACATGGCAAATCGCA-3'
Protein context (NP_003473.3, residues 2839-2859): STPGPELGRQ[Ala2849Val]LGSPLAGIST